The following is an entry in ClinVar:

ClinVar aggregate classification (germline): Uncertain significance (1 of 4 stars; one submission).

Submission:

Ambry Genetics
Classification: Uncertain significance. Last evaluated: 2022-07-28. Review status: criteria provided, single submitter. Criteria: Ambry Variant Classification Scheme 2023. Collection method: clinical testing. Allele origin: germline.
Comment: The p.H1045R variant (also known as c.3134A>G), located in coding exon 4 of the ALPK2 gene, results from an A to G substitution at nucleotide position 3134. The histidine at codon 1045 is replaced by arginine, an amino acid with highly similar properties. This amino acid position is conserved. In addition, this alteration is predicted to be tolerated by in silico analysis. Since supporting evidence is limited at this time, the clinical significance of this alteration remains unclear.

NM_052947.4(ALPK2):c.3134A>G (p.His1045Arg)

Gene: ALPK2 (alpha kinase 2; minus strand). Cytogenetic location: 18q21.31.
Variant type: single nucleotide variant.
Coding change: c.3134A>G on transcript NM_052947.4 (MANE Select); coding-DNA position 3134, A replaced by G.
Protein change: p.His1045Arg; replaces histidine 1045 with arginine.
Molecular consequence: missense variant.
Genome position (GRCh38, 1-based): chr18:58,537,053, T>C on the plus strand (A>G on the coding strand, the complement: ALPK2 is on the minus strand). VCF-style: chr18-58537053-T-C. GRCh37 (hg19) VCF-style: chr18-56204285-T-C.
Other names: short protein forms H1045R.
Identifiers: ClinVar variation 1727992 (VCV001727992.2), dbSNP rs2518876851, ClinGen allele CA402569036.